The following is an entry in ClinVar:

ClinVar aggregate classification (germline): Conflicting classifications of pathogenicity. Review status: criteria provided, conflicting classifications (1 of 4 stars). 3 submissions from 3 submitters: Uncertain significance (2); Likely benign (1). Last evaluated 2024-10-02.

Conditions:
Inborn genetic diseases. Identifiers: MedGen C0950123, MeSH D030342.
Fanconi anemia (FA). Also called: Fanconi's anemia. Identifiers: Orphanet 84, MedGen C0015625, MeSH D005199, MONDO:0019391.

Allele frequency attached by ClinVar (database versions not stated): gnomAD exomes 0.00001 and 0.00002; ExAC 0.00003; gnomAD 0.00009 and 0.00011; TOPMed 0.00010; ESP Exome Variant Server 0.00015.

Submissions (3):

Ambry Genetics
Classification: Likely benign for Inborn genetic diseases. Last evaluated: 2024-10-02. Review status: criteria provided, single submitter. Criteria: Ambry Variant Classification Scheme 2023. Collection method: clinical testing. Allele origin: germline.

GeneDx
Classification: Uncertain significance. Last evaluated: 2023-09-13. Review status: criteria provided, single submitter. Criteria: GeneDx Variant Classification Process June 2021. Collection method: clinical testing. Allele origin: germline. Affected: yes.
Comment: In silico analysis supports that this missense variant does not alter protein structure/function; Has not been previously published as pathogenic or benign to our knowledge

Labcorp Genetics (formerly Invitae), Labcorp
Classification: Uncertain significance for Fanconi anemia. Last evaluated: 2023-08-01. Review status: criteria provided, single submitter. Criteria: Invitae Variant Classification Sherloc (09022015). Collection method: clinical testing. Allele origin: germline.
Comment: ClinVar contains an entry for this variant (Variation ID: 936086). This variant has not been reported in the literature in individuals affected with FANCM-related conditions. This variant is present in population databases (rs139343255, gnomAD 0.03%). This sequence change replaces isoleucine, which is neutral and non-polar, with methionine, which is neutral and non-polar, at codon 2032 of the FANCM protein (p.Ile2032Met). Algorithms developed to predict the effect of missense changes on protein structure and function output the following: SIFT: "Not Available"; PolyPhen-2: "Benign"; Align-GVGD: "Not Available". The methionine amino acid residue is found in multiple mammalian species, which suggests that this missense change does not adversely affect protein function. In summary, the available evidence is currently insufficient to determine the role of this variant in disease. Therefore, it has been classified as a Variant of Uncertain Significance.

NM_020937.4(FANCM):c.6096A>G (p.Ile2032Met)

Gene: FANCM (FA complementation group M; plus strand). Cytogenetic location: 14q21.2.
Variant type: single nucleotide variant.
Coding change: c.6096A>G on transcript NM_020937.4 (MANE Select); coding-DNA position 6096, A replaced by G.
Protein change: p.Ile2032Met; replaces isoleucine 2032 with methionine.
Molecular consequence: missense variant.
Genome position (GRCh38, 1-based): chr14:45,199,957, A>G. VCF-style: chr14-45199957-A-G. GRCh37 (hg19) VCF-style: chr14-45669160-A-G.
Other names: c.6018A>G, p.Ile2006Met (NM_001308133.2); short protein forms I2032M, I2006M.
Identifiers: ClinVar variation 936086 (VCV000936086.15), dbSNP rs139343255, ClinGen allele CA7170130.